The following is an entry in ClinVar:

NM_001170629.2(CHD8):c.3489C>T (p.Asp1163=)

Gene: CHD8 (chromodomain helicase DNA binding protein 8; minus strand). Cytogenetic location: 14q11.2.
Variant type: single nucleotide variant.
Coding change: c.3489C>T on transcript NM_001170629.2 (MANE Select); coding-DNA position 3489, C replaced by T.
Protein change: p.Asp1163=; no amino-acid change (aspartic acid 1163 retained).
Molecular consequence: synonymous variant.
Genome position (GRCh38, 1-based): chr14:21,403,482, G>A on the plus strand (C>T on the coding strand, the complement: CHD8 is on the minus strand). VCF-style: chr14-21403482-G-A. GRCh37 (hg19) VCF-style: chr14-21871641-G-A.
Other names: c.2652C>T, p.Asp884= (NM_020920.4).
Identifiers: ClinVar variation 1947256 (VCV001947256.7), dbSNP rs371201594, ClinGen allele CA7091407.

ClinVar aggregate classification (germline): Likely benign. Review status: criteria provided, multiple submitters, no conflicts (2 of 4 stars). 2 submissions from 2 submitters: Likely benign (2). Last evaluated 2026-06-01.

Allele frequency attached by ClinVar (database versions not stated): ExAC 0.00001; gnomAD 0.00001; TOPMed 0.00002; gnomAD exomes 0.00004; ESP Exome Variant Server 0.00008.

Submissions (2):

CeGaT Center for Human Genetics Tuebingen
Classification: Likely benign. Last evaluated: 2026-06-01. Review status: criteria provided, single submitter. Criteria: CeGaT Center For Human Genetics Tuebingen Variant Classification Criteria Version 2. Collection method: clinical testing. Allele origin: germline. Affected: yes. Observed: 1 variant allele.
Comment: CHD8: BP4, BP7

Labcorp Genetics (formerly Invitae), Labcorp
Classification: Likely benign. Last evaluated: 2023-03-17. Review status: criteria provided, single submitter. Criteria: Invitae Variant Classification Sherloc (09022015). Collection method: clinical testing. Allele origin: germline.